The following is an entry in ClinVar:

ClinVar aggregate classification (germline): Pathogenic (1 of 4 stars; one submission).

Conditions:
Retinitis pigmentosa 2 (RP2). Also called: Retinitis pigmentosa 2, X linked. Identifiers: Orphanet 791, MedGen C2681923, MONDO:0010723, OMIM 312600.

Submission:

3billion
Classification: Pathogenic for Retinitis pigmentosa 2. Last evaluated: 2024-07-26. Review status: criteria provided, single submitter. Criteria: ACMG Guidelines, 2015. Collection method: clinical testing. Allele origin: germline. Affected: yes.
Comment: The variant is not observed in the gnomAD v4.0.0 dataset. Predicted Consequence/Location: Frameshift: predicted to result in a loss or disruption of normal protein function through nonsense-mediated decay (NMD) or protein truncation. Multiple pathogenic variants are reported downstream of the variant. The variant has been reported to be associated with RP2 related disorder (PMID: 35814500). Therefore, this variant is classified as Pathogenic according to the recommendation of ACMG/AMP guideline.

Literature cited by the submitters: PubMed 35814500.

NM_006915.3(RP2):c.759_762del (p.Ile254fs)

Gene: RP2 (RP2 activator of ARL3 GTPase; plus strand). Cytogenetic location: Xp11.3.
Variant type: Deletion.
Coding change: c.759_762del on transcript NM_006915.3 (MANE Select); coding-DNA positions 759 to 762, 4 bases deleted (AATT; older notation c.759_762delAATT).
Protein change: p.Ile254fs; shifts the reading frame from isoleucine 254.
Molecular consequence: frameshift variant.
Genome position (GRCh38, 1-based): chrX:46,854,132-46,854,135, AATT deleted; deleting any 4 consecutive bases within chrX:46,854,131-46,854,135 gives the same sequence; the c. name uses the placement nearest the transcript's 3' end. VCF-style (leftmost placement, unchanged base first): chrX-46854130-CTAAT-C. GRCh37 (hg19) VCF-style: chrX-46713565-CTAAT-C.
Other names: short protein forms I254fs.
Identifiers: ClinVar variation 4291999 (VCV004291999.1).